The following is an entry in ClinVar:

ClinVar aggregate classification (germline): Uncertain significance (1 of 4 stars; one submission).

Allele frequency attached by ClinVar (database versions not stated): gnomAD exomes 0.00002.

Submission:

Labcorp Genetics (formerly Invitae), Labcorp
Classification: Uncertain significance. Last evaluated: 2023-03-01. Review status: criteria provided, single submitter. Criteria: Invitae Variant Classification Sherloc (09022015). Collection method: clinical testing. Allele origin: germline.
Comment: In summary, the available evidence is currently insufficient to determine the role of this variant in disease. Therefore, it has been classified as a Variant of Uncertain Significance. An algorithm developed to predict the effect of missense changes on protein structure and function (PolyPhen-2) suggests that this variant is likely to be tolerated. This variant has not been reported in the literature in individuals affected with NRL-related conditions. This variant is present in population databases (no rsID available, gnomAD 0.0009%). This sequence change replaces glycine, which is neutral and non-polar, with aspartic acid, which is acidic and polar, at codon 57 of the NRL protein (p.Gly57Asp).

NM_001354768.3(NRL):c.170G>A (p.Gly57Asp)

Gene: NRL (neural retina leucine zipper; minus strand). Cytogenetic location: 14q11.2.
Variant type: single nucleotide variant.
Coding change: c.170G>A on transcript NM_001354768.3 (MANE Select); coding-DNA position 170, G replaced by A.
Protein change: p.Gly57Asp; replaces glycine 57 with aspartic acid.
Molecular consequence: missense variant. On other transcripts: intron variant (1).
Genome position (GRCh38, 1-based): chr14:24,082,679, C>T on the plus strand (G>A on the coding strand, the complement: NRL is on the minus strand). VCF-style: chr14-24082679-C-T. GRCh37 (hg19) VCF-style: chr14-24551888-C-T.
Other names: c.170G>A, p.Gly57Asp (NM_001354769.1, NM_006177.5); c.66+104G>A (NM_001354770.2); short protein forms G57D.
Identifiers: ClinVar variation 2794346 (VCV002794346.3), dbSNP rs1259678334, ClinGen allele CA389281383.